The following is an entry in ClinVar:

ClinVar aggregate classification (germline): Conflicting classifications of pathogenicity. Review status: criteria provided, conflicting classifications (1 of 4 stars). 5 submissions from 5 submitters: Likely pathogenic (3); Uncertain significance (1). 1 of the submissions does not count toward it. Last evaluated 2025-01-08.

Conditions:
B4GALT7-related disorders.
Ehlers-Danlos syndrome, spondylodysplastic type, 1 (EDSSPD1). Also called: Ehlers-Danlos syndrome progeroid type; XGPT DEFICIENCY; XYLOSYLPROTEIN 4-BETA-GALACTOSYLTRANSFERASE DEFICIENCY; DERMATAN SULFATE PROTEOGLYCAN; EHLERS-DANLOS SYNDROME, PROGEROID TYPE, 1; GALACTOSYLTRANSFERASE I DEFICIENCY. Identifiers: Orphanet 75496, MedGen C4552003, MONDO:0020682, OMIM 130070.
Spondylodysplastic Ehlers-Danlos syndrome. Identifiers: Orphanet 536471, Orphanet 75496, MedGen C5680154, MONDO:0007526.

Allele frequency attached by ClinVar (database versions not stated): gnomAD 0.00001; ExAC 0.00003; gnomAD exomes 0.00003 and 0.00006; TOPMed 0.00003.
gnomAD v4.1: 81 of 1,613,374 alleles (0.005%); highest among the groups gnomAD compares: Non-Finnish European, 0.0069%; no homozygotes.

Submissions (5):

GeneDx
Classification: Likely pathogenic. Last evaluated: 2025-01-08. Review status: criteria provided, single submitter. Criteria: GeneDx Variant Classification Process June 2021. Collection method: clinical testing. Allele origin: germline. Affected: yes.
Comment: Not observed at significant frequency in large population cohorts (gnomAD); In silico analysis supports that this missense variant has a deleterious effect on protein structure/function; This variant is associated with the following publications: (PMID: 26940150, 31589614, 34193099, 25533962, 37010288)

Fulgent Genetics
Classification: Likely pathogenic for Ehlers-Danlos syndrome, spondylodysplastic type, 1. Last evaluated: 2024-06-03. Review status: criteria provided, single submitter. Criteria: ACMG Guidelines, 2015. Collection method: clinical testing. Allele origin: germline.

Blueprint Genetics
Classification: Likely pathogenic for B4GALT7-related disorders. Last evaluated: 2023-09-04. Review status: criteria provided, single submitter. Criteria: ACMG Guidelines, 2015. Collection method: clinical testing. Allele origin: germline. Affected: yes. Observed: 4 variant alleles.

Labcorp Genetics (formerly Invitae), Labcorp
Classification: Uncertain significance for Spondylodysplastic Ehlers-Danlos syndrome. Last evaluated: 2022-06-23. Review status: criteria provided, single submitter. Criteria: Invitae Variant Classification Sherloc (09022015). Collection method: clinical testing. Allele origin: germline.
Comment: This sequence change replaces cysteine, which is neutral and slightly polar, with tyrosine, which is neutral and polar, at codon 214 of the B4GALT7 protein (p.Cys214Tyr). This variant is present in population databases (rs753594601, gnomAD 0.007%). This missense change has been observed in individuals with clinical features of B4GALT7-associated Ehlers-Danlos syndrome (PMID: 26940150, 34193099). It has also been observed to segregate with disease in related individuals. ClinVar contains an entry for this variant (Variation ID: 253110). Algorithms developed to predict the effect of missense changes on protein structure and function are either unavailable or do not agree on the potential impact of this missense change (SIFT: "Deleterious"; PolyPhen-2: "Probably Damaging"; Align-GVGD: "Class C0"). In summary, the available evidence is currently insufficient to determine the role of this variant in disease. Therefore, it has been classified as a Variant of Uncertain Significance.

OMIM
Classification: Pathogenic for EHLERS-DANLOS SYNDROME, SPONDYLODYSPLASTIC TYPE, 1. Last evaluated: 2017-12-22. Review status: no assertion criteria provided. Collection method: literature only. Allele origin: germline. Not counted in ClinVar's aggregate classification.

Literature cited by the submitters: PubMed 26940150 (cited by Labcorp Genetics (formerly Invitae), Labcorp and OMIM); PubMed 34193099 (cited by Labcorp Genetics (formerly Invitae), Labcorp).

NM_007255.3(B4GALT7):c.641G>A (p.Cys214Tyr)

Gene: B4GALT7 (beta-1,4-galactosyltransferase 7; plus strand). Cytogenetic location: 5q35.3.
Variant type: single nucleotide variant.
Coding change: c.641G>A on transcript NM_007255.3 (MANE Select); coding-DNA position 641, G replaced by A.
Protein change: p.Cys214Tyr; replaces cysteine 214 with tyrosine.
Molecular consequence: missense variant.
Genome position (GRCh38, 1-based): chr5:177,608,540, G>A. VCF-style: chr5-177608540-G-A. GRCh37 (hg19) VCF-style: chr5-177035541-G-A.
Other names: B4GALT7, CYS214TYR; short protein forms C214Y.
Identifiers: ClinVar variation 253110 (VCV000253110.13), dbSNP rs753594601, ClinGen allele CA3586614.